The following is an entry in ClinVar:

ClinVar aggregate classification (germline): Likely pathogenic (1 of 4 stars; one submission).

Conditions:
Familial intrahepatic cholestasis. Identifiers: Orphanet 284385, MedGen CN296401, MONDO:0017290.

Submissions (2):

Genomenon, Inc
Classification: Likely pathogenic for Familial intrahepatic cholestasis. Last evaluated: 2026-04-14. Review status: criteria provided, single submitter. Criteria: Genomenon Sequence Variant Interpretation Standards - Updated. Collection method: curation. Allele origin: germline. Affected: yes.
Comment: ATP8B1 c.1933-1G>T is a canonical splice variant affecting the acceptor splice site of intron 17. It is predicted to affect mRNA splicing, leading to a deleterious effect on the ATP8B1 protein. This variant has been observed in at least one proband with features of ATP8B1-deficiency (PMID:35535061). It is absent or not present at a significant frequency in gnomAD. In conclusion, we classify ATP8B1 c.1933-1G>T as a likely pathogenic variant.

Dr. Peter K. Rogan Lab, Western University
No classification provided (evidence only). Condition: Thyroid cancer, nonmedullary, 1. Review status: no classification provided. Collection method: in vitro. Allele origin: not applicable. Functional consequence: retained intron. Not counted in ClinVar's aggregate classification.

Literature cited by the submitters: PubMed 35535061 (cited by Genomenon, Inc).

NM_001374385.1(ATP8B1):c.1933-1G>T

Gene: ATP8B1 (ATPase phospholipid transporting 8B1; minus strand). Cytogenetic location: 18q21.31.
Variant type: single nucleotide variant.
Coding change: c.1933-1G>T on transcript NM_001374385.1 (MANE Select); the canonical splice acceptor site of the intron before coding-DNA position 1933, G replaced by T.
Molecular consequence: splice acceptor variant.
Genome position (GRCh38, 1-based): chr18:57,669,483, C>A on the plus strand (G>T on the coding strand, the complement: ATP8B1 is on the minus strand). VCF-style: chr18-57669483-C-A. GRCh37 (hg19) VCF-style: chr18-55336715-C-A.
Other names: NC_000018.9:g.55336715C>A; c.1933-1G>T (NM_005603.6); c.1783-1G>T (NM_001374386.1).
Identifiers: ClinVar variation 4432160 (VCV004432160.2).